The following is an entry in ClinVar:

ClinVar aggregate classification (germline): Uncertain significance (1 of 4 stars; one submission).

Conditions:
Hereditary cancer-predisposing syndrome. Also called: Hereditary Cancer Syndrome; Neoplastic Syndromes, Hereditary; Tumor predisposition; Hereditary neoplastic syndrome. Identifiers: Orphanet 140162, MedGen C0027672, MeSH D009386, MONDO:0015356.

Submission:

Ambry Genetics
Classification: Uncertain significance for Hereditary cancer-predisposing syndrome. Last evaluated: 2025-10-22. Review status: criteria provided, single submitter. Criteria: Ambry Variant Classification Scheme 2023. Collection method: clinical testing. Allele origin: germline.
Comment: The p.E2478K variant (also known as c.7432G>A), located in coding exon 49 of the ATM gene, results from a G to A substitution at nucleotide position 7432. The glutamic acid at codon 2478 is replaced by lysine, an amino acid with similar properties. This amino acid position is well conserved in available vertebrate species. In addition, the in silico prediction for this alteration is inconclusive. Based on the available evidence, the clinical significance of this variant remains unclear.

NM_000051.4(ATM):c.7432G>A (p.Glu2478Lys)

Genes: ATM (ATM serine/threonine kinase; plus strand), C11orf65 (chromosome 11 open reading frame 65; minus strand). Cytogenetic location: 11q22.3.
Variant type: single nucleotide variant.
Coding change: c.7432G>A on transcript NM_000051.4 (MANE Select); coding-DNA position 7432, G replaced by A.
Protein change: p.Glu2478Lys; replaces glutamic acid 2478 with lysine.
Molecular consequence: missense variant. On other transcripts: intron variant (2).
Genome position (GRCh38, 1-based): chr11:108,330,338, G>A. VCF-style: chr11-108330338-G-A. GRCh37 (hg19) VCF-style: chr11-108201065-G-A.
Other names: c.7432G>A, p.Glu2478Lys (NM_001351834.2); c.641-21267C>T (NM_001330368.2); c.*38+4882C>T (NM_001351110.2); short protein forms E2478K.
Identifiers: ClinVar variation 4617659 (VCV004617659.1).